The following is an entry in ClinVar:

ClinVar aggregate classification (germline): Benign/Likely benign. Review status: criteria provided, multiple submitters, no conflicts (2 of 4 stars). 2 submissions from 2 submitters: Benign (1); Likely benign (1). Last evaluated 2025-11-01.

Allele frequency attached by ClinVar (database versions not stated): gnomAD 0.00005; gnomAD exomes 0.00008 and 0.00030; TOPMed 0.00017; ExAC 0.00035.

Submissions (3):

CeGaT Center for Human Genetics Tuebingen
Classification: Likely benign. Last evaluated: 2025-11-01. Review status: criteria provided, single submitter. Criteria: CeGaT Center For Human Genetics Tuebingen Variant Classification Criteria Version 2. Collection method: clinical testing. Allele origin: germline. Affected: yes. Observed: 1 variant allele.
Comment: SRRM2: BP4, BP7

Labcorp Genetics (formerly Invitae), Labcorp
Classification: Benign. Last evaluated: 2019-12-31. Review status: criteria provided, single submitter. Criteria: Invitae Variant Classification Sherloc (09022015). Collection method: clinical testing. Allele origin: germline.

Dr. Peter K. Rogan Lab, Western University
No classification provided (evidence only). Condition: Gastric cancer. Review status: no classification provided. Collection method: in vitro. Allele origin: not applicable. Functional consequence: retained intron. Not counted in ClinVar's aggregate classification.

NM_016333.4(SRRM2):c.5856A>G (p.Pro1952=)

Gene: SRRM2 (serine/arginine repetitive matrix 2; plus strand). Cytogenetic location: 16p13.3.
Variant type: single nucleotide variant.
Coding change: c.5856A>G on transcript NM_016333.4 (MANE Select); coding-DNA position 5856, A replaced by G.
Protein change: p.Pro1952=; no amino-acid change (proline 1952 retained).
Molecular consequence: synonymous variant.
Genome position (GRCh38, 1-based): chr16:2,766,384, A>G. VCF-style: chr16-2766384-A-G. GRCh37 (hg19) VCF-style: chr16-2816385-A-G.
Other names: NC_000016.9:g.2816385A>G.
Identifiers: ClinVar variation 737784 (VCV000737784.11), dbSNP rs749151815, ClinGen allele CA7848632.
Genomic context (GRCh38, chr16:2,766,384, plus strand): 5'-CCGTCGTTCAAGGTCTAGAACGCCAACAACACGCCGCCGCTCCCGTTCTAGAACTCCACC[A>G]GTGACTCGCAGAAGGTCCAGATCCAGGACTCCACCAGTAACCAGGAGGCGATCTCGAAGC-3'
Protein context (NP_057417.3, residues 1942-1962): TRRRSRSRTP[Pro1952=]VTRRRSRSRT